The following is an entry in ClinVar:

NM_006231.4(POLE):c.1107-13C>T

Gene: POLE (DNA polymerase epsilon, catalytic subunit; minus strand). Cytogenetic location: 12q24.33.
Variant type: single nucleotide variant.
Coding change: c.1107-13C>T on transcript NM_006231.4 (MANE Select); 13 bases into the intron before coding-DNA position 1107, C replaced by T.
Molecular consequence: intron variant.
Genome position (GRCh38, 1-based): chr12:132,675,530, G>A on the plus strand (C>T on the coding strand, the complement: POLE is on the minus strand). VCF-style: chr12-132675530-G-A. GRCh37 (hg19) VCF-style: chr12-133252116-G-A.
Identifiers: ClinVar variation 3904135 (VCV003904135.1).

ClinVar aggregate classification (germline): Likely benign (1 of 4 stars; one submission).

Conditions:
Colorectal cancer, susceptibility to, 12 (CRCS12). Also called: COLORECTAL CANCER, SUSCEPTIBILITY TO, ON CHROMOSOME 12q24. Identifiers: Orphanet 220460, MedGen C3554460, MONDO:0014038, OMIM 615083.

gnomAD v4.1: 2 of 1,613,916 alleles (0.00012%); highest among the groups gnomAD compares: Non-Finnish European, 0.000085%; no homozygotes.

Submission:

Myriad Genetics, Inc.
Classification: Likely benign for Colorectal cancer, susceptibility to, 12. Last evaluated: 2025-02-10. Review status: criteria provided, single submitter. Criteria: Myriad Autosomal Dominant, Autosomal Recessive and X-Linked Classification Criteria (2023). Collection method: clinical testing. Allele origin: unknown.
Comment: This variant is considered likely benign. This variant is intronic and is not expected to impact mRNA splicing.